The following is an entry in ClinVar:

ClinVar aggregate classification (germline): Uncertain significance (1 of 4 stars; one submission).

Submission:

Labcorp Genetics (formerly Invitae), Labcorp
Classification: Uncertain significance. Last evaluated: 2025-05-31. Review status: criteria provided, single submitter. Criteria: Invitae Variant Classification Sherloc (09022015). Collection method: clinical testing. Allele origin: germline.
Comment: This sequence change replaces valine, which is neutral and non-polar, with glycine, which is neutral and non-polar, at codon 391 of the PKLR protein (p.Val391Gly). This variant is not present in population databases (gnomAD no frequency). This variant has not been reported in the literature in individuals affected with PKLR-related conditions. Invitae Evidence Modeling of protein sequence and biophysical properties (such as structural, functional, and spatial information, amino acid conservation, physicochemical variation, residue mobility, and thermodynamic stability) indicates that this missense variant is expected to disrupt PKLR protein function with a positive predictive value of 80%. In summary, the available evidence is currently insufficient to determine the role of this variant in disease. Therefore, it has been classified as a Variant of Uncertain Significance.

NM_000298.6(PKLR):c.1172T>G (p.Val391Gly)

Gene: PKLR (pyruvate kinase L/R; minus strand). Cytogenetic location: 1q22.
Variant type: single nucleotide variant.
Coding change: c.1172T>G on transcript NM_000298.6 (MANE Select); coding-DNA position 1172, T replaced by G.
Protein change: p.Val391Gly; replaces valine 391 with glycine.
Molecular consequence: missense variant.
Genome position (GRCh38, 1-based): chr1:155,293,535, A>C on the plus strand (T>G on the coding strand, the complement: PKLR is on the minus strand). VCF-style: chr1-155293535-A-C. GRCh37 (hg19) VCF-style: chr1-155263326-A-C.
Other names: c.1079T>G, p.Val360Gly (NM_181871.4); short protein forms V360G, V391G.
Identifiers: ClinVar variation 4743541 (VCV004743541.1).
Genomic context (GRCh38, chr1:155,293,535, plus strand): 5'-CCCTTGGCAGTCTCCCCTGACAGCATGATGCAGTCAGCCCCATCCAGCACAGCATTGGCG[A>C]CATCGCTTGTCTCTGCCCTCGTTGGCCGGGGCTTGGTAATCATGCTCTCCAGCATCTGGG-3'
Protein context (NP_000289.1, residues 381-401): PRPTRAETSD[Val391Gly]ANAVLDGADC